The following is an entry in ClinVar:

ClinVar aggregate classification (germline): Uncertain significance (1 of 4 stars; one submission).

Submission:

GeneDx
Classification: Uncertain significance. Last evaluated: 2023-10-18. Review status: criteria provided, single submitter. Criteria: GeneDx Variant Classification Process June 2021. Collection method: clinical testing. Allele origin: germline. Affected: yes.
Comment: Not observed at significant frequency in large population cohorts (gnomAD); In silico analysis supports that this missense variant does not alter protein structure/function; Has not been previously published as pathogenic or benign to our knowledge

NM_001386298.1(CIC):c.3850G>A (p.Glu1284Lys)

Gene: CIC (capicua transcriptional repressor; plus strand). Cytogenetic location: 19q13.2.
Variant type: single nucleotide variant.
Coding change: c.3850G>A on transcript NM_001386298.1 (MANE Select); coding-DNA position 3850, G replaced by A.
Protein change: p.Glu1284Lys; replaces glutamic acid 1284 with lysine.
Molecular consequence: missense variant.
Genome position (GRCh38, 1-based): chr19:42,289,079, G>A. VCF-style: chr19-42289079-G-A. GRCh37 (hg19) VCF-style: chr19-42793231-G-A.
Other names: c.3850G>A, p.Glu1284Lys (NM_001304815.2, NM_001379480.1, NM_001379482.1); c.1123G>A, p.Glu375Lys (NM_001379484.1, NM_001379485.1, NM_015125.5); short protein forms E1284K, E375K.
Identifiers: ClinVar variation 3363235 (VCV003363235.1).